The following is an entry in ClinVar:

NM_001100.4(ACTA1):c.553C>T (p.Arg185Cys)

Gene: ACTA1 (actin alpha 1, skeletal muscle; minus strand). Cytogenetic location: 1q42.13.
Variant type: single nucleotide variant.
Coding change: c.553C>T on transcript NM_001100.4 (MANE Select); coding-DNA position 553, C replaced by T.
Protein change: p.Arg185Cys; replaces arginine 185 with cysteine.
Molecular consequence: missense variant.
Genome position (GRCh38, 1-based): chr1:229,432,333, G>A on the plus strand (C>T on the coding strand, the complement: ACTA1 is on the minus strand). VCF-style: chr1-229432333-G-A. GRCh37 (hg19) VCF-style: chr1-229568080-G-A.
Other names: short protein forms R185C.
Identifiers: ClinVar variation 464125 (VCV000464125.9), dbSNP rs1064794287, ClinGen allele CA345148281.
Genomic context (GRCh38, chr1:229,432,333, plus strand): 5'-TGGTCACGAAGGAGTAGCCACGCTCAGTGAGGATCTTCATCAGGTAGTCGGTGAGATCGC[G>A]GCCCGCCAGGTCCAGGCGCATGATGGCGTGCGGCAGCGCGTAGCCCTCATAAATGGGCAC-3'
Protein context (NP_001091.1, residues 175-195): HAIMRLDLAG[Arg185Cys]DLTDYLMKIL

ClinVar aggregate classification (germline): Pathogenic (1 of 4 stars; one submission).

Conditions:
Actin accumulation myopathy (CMYO2A). Also called: Nemaline myopathy type 3; Myopathy, actin, congenital, with excess of thin myofilaments; Myopathy, actin, congenital, with cores; Nemaline myopathy 3, with intranuclear rods; CONGENITAL MYOPATHY 2A, TYPICAL, AUTOSOMAL DOMINANT. Identifiers: Orphanet 98904, MedGen C3711389, MONDO:0008070, OMIM 161800.

Submission:

Labcorp Genetics (formerly Invitae), Labcorp
Classification: Pathogenic for Actin accumulation myopathy. Last evaluated: 2022-07-19. Review status: criteria provided, single submitter. Criteria: Invitae Variant Classification Sherloc (09022015). Collection method: clinical testing. Allele origin: germline.
Comment: This variant is also known as p.Arg183Cys. This missense change has been observed in individuals with severe nemaline myopathy (PMID: 10508519, 15226407, 24313005). It has also been observed to segregate with disease in related individuals. This variant is not present in population databases (gnomAD no frequency). This sequence change replaces arginine, which is basic and polar, with cysteine, which is neutral and slightly polar, at codon 185 of the ACTA1 protein (p.Arg185Cys). ClinVar contains an entry for this variant (Variation ID: 464125). For these reasons, this variant has been classified as Pathogenic. This variant disrupts the p.Arg185 amino acid residue in ACTA1. Other variant(s) that disrupt this residue have been determined to be pathogenic (PMID: 11333380, 12921789, 15198992, 15226407, 25470062). This suggests that this residue is clinically significant, and that variants that disrupt this residue are likely to be disease-causing. Experimental studies have shown that this missense change does not substantially affect ACTA1 function (PMID: 15226407). Advanced modeling of protein sequence and biophysical properties (such as structural, functional, and spatial information, amino acid conservation, physicochemical variation, residue mobility, and thermodynamic stability) performed at Invitae indicates that this missense variant is expected to disrupt ACTA1 protein function.

Literature cited by the submitters: PubMed 10508519; PubMed 15226407; PubMed 24313005; PubMed 11333380; PubMed 12921789; PubMed 15198992; PubMed 25470062.